The following is an entry in ClinVar:

NM_000306.4(POU1F1):c.439+5G>A

Gene: POU1F1 (POU class 1 homeobox 1; minus strand). Cytogenetic location: 3p11.2.
Variant type: single nucleotide variant.
Coding change: c.439+5G>A on transcript NM_000306.4 (MANE Select); 5 bases into the intron after coding-DNA position 439, G replaced by A.
Molecular consequence: intron variant.
Genome position (GRCh38, 1-based): chr3:87,264,283, C>T on the plus strand (G>A on the coding strand, the complement: POU1F1 is on the minus strand). VCF-style: chr3-87264283-C-T. GRCh37 (hg19) VCF-style: chr3-87313433-C-T.
Other names: c.517+5G>A (NM_001122757.3).
Identifiers: ClinVar variation 3767392 (VCV003767392.1).

ClinVar aggregate classification (germline): Uncertain significance (1 of 4 stars; one submission).

gnomAD v4.1: 4 of 1,603,184 alleles (0.00025%); highest among the groups gnomAD compares: African/African-American, 0.0013%; no homozygotes.

Submission:

GeneDx
Classification: Uncertain significance. Last evaluated: 2024-09-06. Review status: criteria provided, single submitter. Criteria: GeneDx Variant Classification Process June 2021. Collection method: clinical testing. Allele origin: germline. Affected: yes.
Comment: Not observed at significant frequency in large population cohorts (gnomAD); In silico analysis supports a deleterious effect on splicing; Has not been previously published as pathogenic or benign to our knowledge